The following is an entry in ClinVar:

ClinVar aggregate classification (germline): Uncertain significance (1 of 4 stars; one submission).

Conditions:
Ehlers-Danlos syndrome, type 4 (EDSVASC). Also called: Ehlers-Danlos Syndrome Type IV; Ehlers-Danlos syndrome vascular type; Ehlers Danlos syndrome, ecchymotic type; Ehlers Danlos syndrome, arterial type; Ehlers Danlos syndrome, Sack-Barabas type. Identifiers: Orphanet 286, MedGen C0268338, MONDO:0017314, OMIM 130050.

Submission:

All of Us Research Program, National Institutes of Health
Classification: Uncertain significance for Ehlers-Danlos syndrome, type 4. Last evaluated: 2023-03-04. Review status: criteria provided, single submitter. Criteria: ACMG Guidelines, 2015. Collection method: clinical testing. Allele origin: germline. Inheritance: Autosomal dominant inheritance. Observed: 1 variant allele, 1 heterozygote.
Comment: This study involves interpretation of variants in research participants for the purpose of population health screening. Participant phenotype was not available at the time of variant classification. Additional details can be found in publication PMID: 35346344, PMCID: PMC8962531

NM_000090.4(COL3A1):c.2776G>A (p.Ala926Thr)

Gene: COL3A1 (collagen type III alpha 1 chain; plus strand). Cytogenetic location: 2q32.2.
Variant type: single nucleotide variant.
Coding change: c.2776G>A on transcript NM_000090.4 (MANE Select); coding-DNA position 2776, G replaced by A.
Protein change: p.Ala926Thr; replaces alanine 926 with threonine.
Molecular consequence: missense variant.
Genome position (GRCh38, 1-based): chr2:189,004,096, G>A. VCF-style: chr2-189004096-G-A. GRCh37 (hg19) VCF-style: chr2-189868822-G-A.
Other names: short protein forms A926T.
Identifiers: ClinVar variation 3069867 (VCV003069867.1), dbSNP rs2469153656, ClinGen allele CA349844135.
Genomic context (GRCh38, chr2:189,004,096, plus strand): 5'-GGTCCTGCGGGTAACACTGGTGCTCCTGGCAGCCCTGGAGTGTCTGGACCAAAAGGTGAT[G>A]CTGGCCAACCAGGAGAGAAGGGATCGCCTGGTGCCCAGGGCCCACCAGTAAGTAACTTCA-3'
Protein context (NP_000081.2, residues 916-936): SPGVSGPKGD[Ala926Thr]GQPGEKGSPG